The following is an entry in ClinVar:

NM_018979.4(WNK1):c.5458A>G (p.Met1820Val)

Gene: WNK1 (WNK lysine deficient protein kinase 1; plus strand). Cytogenetic location: 12p13.33.
Variant type: single nucleotide variant.
Coding change: c.5458A>G on transcript NM_018979.4 (MANE Select); coding-DNA position 5458, A replaced by G.
Protein change: p.Met1820Val; replaces methionine 1820 with valine.
Molecular consequence: missense variant.
Genome position (GRCh38, 1-based): chr12:890,462, A>G. VCF-style: chr12-890462-A-G. GRCh37 (hg19) VCF-style: chr12-999628-A-G.
Other names: c.6238A>G, p.Met2080Val (NM_001184985.2); c.4717A>G, p.Met1573Val (NM_014823.3); c.6214A>G, p.Met2072Val (NM_213655.5); short protein forms M1573V, M1820V, M2072V, M2080V.
Identifiers: ClinVar variation 1053115 (VCV001053115.9), dbSNP rs1007706533, ClinGen allele CA231482987.

ClinVar aggregate classification (germline): Uncertain significance (1 of 4 stars; one submission).

Conditions:
Neuropathy, hereditary sensory and autonomic, type 2A (HSAN2A). Also called: MORVAN DISEASE; NEUROPATHY, CONGENITAL SENSORY; NEUROPATHY, HEREDITARY SENSORY RADICULAR, AUTOSOMAL RECESSIVE; NEUROPATHY, HEREDITARY SENSORY, TYPE IIA; NEUROPATHY, PROGRESSIVE SENSORY, OF CHILDREN; WNK1-Related HSAN2 (HSAN2A). Identifiers: Orphanet 970, MedGen C2752089, MONDO:0024309, OMIM 201300.
Pseudohypoaldosteronism type 2C (PHA2C). Also called: Pseudohypoaldosteronism Type IIC. Identifiers: Orphanet 757, Orphanet 88940, MedGen C1840391, MONDO:0013778, OMIM 614492.

Allele frequency attached by ClinVar (database versions not stated): TOPMed below 0.00001; gnomAD exomes 0.00001.

Submission:

Labcorp Genetics (formerly Invitae), Labcorp
Classification: Uncertain significance for Neuropathy, hereditary sensory and autonomic, type 2A; Pseudohypoaldosteronism type 2C. Last evaluated: 2025-08-06. Review status: criteria provided, single submitter. Criteria: Invitae Variant Classification Sherloc (09022015). Collection method: clinical testing. Allele origin: germline.
Comment: This sequence change replaces methionine, which is neutral and non-polar, with valine, which is neutral and non-polar, at codon 2072 of the WNK1 protein (p.Met2072Val). This variant is present in population databases (no rsID available, gnomAD 0.006%). This variant has not been reported in the literature in individuals affected with WNK1-related conditions. ClinVar contains an entry for this variant (Variation ID: 1053115). Invitae Evidence Modeling of protein sequence and biophysical properties (such as structural, functional, and spatial information, amino acid conservation, physicochemical variation, residue mobility, and thermodynamic stability) indicates that this missense variant is not expected to disrupt WNK1 protein function with a negative predictive value of 95%. In summary, the available evidence is currently insufficient to determine the role of this variant in disease. Therefore, it has been classified as a Variant of Uncertain Significance.